The following is an entry in ClinVar:

ClinVar aggregate classification (germline): Uncertain significance (1 of 4 stars; one submission).

Allele frequency attached by ClinVar (database versions not stated): gnomAD exomes below 0.00001.
gnomAD v4.1: 1 of 1,454,388 alleles (0.000069%); highest among the groups gnomAD compares: Admixed American, 0.0025%; no homozygotes.

Submission:

Labcorp Genetics (formerly Invitae), Labcorp
Classification: Uncertain significance. Last evaluated: 2022-02-03. Review status: criteria provided, single submitter. Criteria: Invitae Variant Classification Sherloc (09022015). Collection method: clinical testing. Allele origin: germline.
Comment: This variant has not been reported in the literature in individuals affected with TONSL-related conditions. Algorithms developed to predict the effect of missense changes on protein structure and function output the following: SIFT: "Tolerated"; PolyPhen-2: "Benign"; Align-GVGD: "Class C0". The arginine amino acid residue is found in multiple mammalian species, which suggests that this missense change does not adversely affect protein function. In summary, the available evidence is currently insufficient to determine the role of this variant in disease. Therefore, it has been classified as a Variant of Uncertain Significance. This sequence change replaces lysine, which is basic and polar, with arginine, which is basic and polar, at codon 16 of the TONSL protein (p.Lys16Arg). The frequency data for this variant in the population databases is considered unreliable, as metrics indicate poor data quality at this position in the gnomAD database.

NM_013432.5(TONSL):c.47A>G (p.Lys16Arg)

Genes: TONSL (tonsoku like, DNA repair protein; minus strand), LOC130001399 (ATAC-STARR-seq lymphoblastoid silent region 19685; plus strand). Cytogenetic location: 8q24.3.
Variant type: single nucleotide variant.
Coding change: c.47A>G on transcript NM_013432.5 (MANE Select); coding-DNA position 47, A replaced by G.
Protein change: p.Lys16Arg; replaces lysine 16 with arginine.
Molecular consequence: missense variant.
Genome position (GRCh38, 1-based): chr8:144,444,254, T>C on the plus strand (A>G on the coding strand, the complement: TONSL is on the minus strand). VCF-style: chr8-144444254-T-C. GRCh37 (hg19) VCF-style: chr8-145669637-T-C.
Other names: short protein forms K16R.
Identifiers: ClinVar variation 1505719 (VCV001505719.8), dbSNP rs1171983567, ClinGen allele CA372680068.
Genomic context (GRCh38, chr8:144,444,254, plus strand): 5'-AGCTCCCCCAGCTGGTGGCACAGCGCGGCCTCTTCGCGCCGCTGCCCGGCCCTCTGCGCC[T>C]TGGCTTTCGCCTTGCTCAGCTCTGTGGGAGGAAGAGGAGGGCTGGGCCTCCGCGGCGGGG-3'
Protein context (NP_038460.4, residues 6-26): ELRQLSKAKA[Lys16Arg]AQRAGQRREE